The following is an entry in ClinVar:

NM_017841.4(SDHAF2):c.115A>G (p.Ser39Gly)

Gene: SDHAF2 (succinate dehydrogenase complex assembly factor 2; plus strand). Cytogenetic location: 11q12.2.
Variant type: single nucleotide variant.
Coding change: c.115A>G on transcript NM_017841.4 (MANE Select); coding-DNA position 115, A replaced by G.
Protein change: p.Ser39Gly; replaces serine 39 with glycine.
Molecular consequence: missense variant.
Genome position (GRCh38, 1-based): chr11:61,437,703, A>G. VCF-style: chr11-61437703-A-G. GRCh37 (hg19) VCF-style: chr11-61205175-A-G.
Other names: short protein forms S39G.
Identifiers: ClinVar variation 1736216 (VCV001736216.5), dbSNP rs2540124136, ClinGen allele CA380683139.
Genomic context (GRCh38, chr11:61,437,703, plus strand): 5'-CACAGCCTATTGTCTCCTTTGCTCAGTGTGACATCATTCAGACGCTTCTACAGAGGTGAC[A>G]GCCCAACAGATTCCCAAAAGGACATGATTGAAATCCCTTTGCCTCCATGGCAGGAGAGAA-3'
Protein context (NP_060311.1, residues 29-49): TSFRRFYRGD[Ser39Gly]PTDSQKDMIE

ClinVar aggregate classification (germline): Uncertain significance. Review status: criteria provided, multiple submitters, no conflicts (2 of 4 stars). 2 submissions from 2 submitters: Uncertain significance (2). Last evaluated 2023-03-26.

Conditions:
Hereditary cancer-predisposing syndrome. Also called: Neoplastic Syndromes, Hereditary; Tumor predisposition; Hereditary Cancer Syndrome; Hereditary neoplastic syndrome. Identifiers: Orphanet 140162, MedGen C0027672, MeSH D009386, MONDO:0015356.
Hereditary pheochromocytoma and paraganglioma. Also called: Hereditary pheochromocytoma-paraganglioma; Hereditary paragangliomas and pheochromocytomas; Hereditary Paraganglioma-Pheochromocytoma Syndromes. Identifiers: Orphanet 29072, MedGen C4274332, MONDO:0017366.

Submissions (2):

Labcorp Genetics (formerly Invitae), Labcorp
Classification: Uncertain significance for Hereditary pheochromocytoma and paraganglioma. Last evaluated: 2023-03-26. Review status: criteria provided, single submitter. Criteria: Invitae Variant Classification Sherloc (09022015). Collection method: clinical testing. Allele origin: germline.
Comment: This variant is not present in population databases (gnomAD no frequency). This variant has not been reported in the literature in individuals affected with SDHAF2-related conditions. ClinVar contains an entry for this variant (Variation ID: 1736216). An algorithm developed to predict the effect of missense changes on protein structure and function (PolyPhen-2) suggests that this variant is likely to be disruptive. In summary, the available evidence is currently insufficient to determine the role of this variant in disease. Therefore, it has been classified as a Variant of Uncertain Significance. This sequence change replaces serine, which is neutral and polar, with glycine, which is neutral and non-polar, at codon 39 of the SDHAF2 protein (p.Ser39Gly).

Ambry Genetics
Classification: Uncertain significance for Hereditary cancer-predisposing syndrome. Last evaluated: 2022-08-05. Review status: criteria provided, single submitter. Criteria: Ambry Variant Classification Scheme 2023. Collection method: clinical testing. Allele origin: germline.
Comment: The p.S39G variant (also known as c.115A>G), located in coding exon 2 of the SDHAF2 gene, results from an A to G substitution at nucleotide position 115. The serine at codon 39 is replaced by glycine, an amino acid with similar properties. This amino acid position is conserved. In addition, this alteration is predicted to be tolerated by in silico analysis. Since supporting evidence is limited at this time, the clinical significance of this alteration remains unclear.